The following is an entry in ClinVar:

NM_018112.3(TMEM38B):c.408T>G (p.Tyr136Ter)

Gene: TMEM38B (transmembrane protein 38B; plus strand). Cytogenetic location: 9q31.2.
Variant type: single nucleotide variant.
Coding change: c.408T>G on transcript NM_018112.3 (MANE Select); coding-DNA position 408, T replaced by G.
Protein change: p.Tyr136Ter; replaces tyrosine 136 with a stop codon.
Molecular consequence: nonsense.
Genome position (GRCh38, 1-based): chr9:105,721,675, T>G. VCF-style: chr9-105721675-T-G. GRCh37 (hg19) VCF-style: chr9-108483956-T-G.
Other names: short protein forms Y136*.
Identifiers: ClinVar variation 2698038 (VCV002698038.3), dbSNP rs2540044767, ClinGen allele CA374380376.

ClinVar aggregate classification (germline): Pathogenic (1 of 4 stars; one submission).

Submission:

Labcorp Genetics (formerly Invitae), Labcorp
Classification: Pathogenic. Last evaluated: 2023-11-21. Review status: criteria provided, single submitter. Criteria: Invitae Variant Classification Sherloc (09022015). Collection method: clinical testing. Allele origin: germline.
Comment: This sequence change creates a premature translational stop signal (p.Tyr136*) in the TMEM38B gene. It is expected to result in an absent or disrupted protein product. Loss-of-function variants in TMEM38B are known to be pathogenic (PMID: 17611541, 23054245). This variant is not present in population databases (gnomAD no frequency). This variant has not been reported in the literature in individuals affected with TMEM38B-related conditions. Algorithms developed to predict the effect of sequence changes on RNA splicing suggest that this variant may disrupt the consensus splice site. For these reasons, this variant has been classified as Pathogenic.

Literature cited by the submitters: PubMed 17611541; PubMed 23054245.